The following is an entry in ClinVar:

NM_014232.3(VAMP2):c.328A>C (p.Ile110Leu)

Gene: VAMP2 (vesicle associated membrane protein 2; minus strand). Cytogenetic location: 17p13.1.
Variant type: single nucleotide variant.
Coding change: c.328A>C on transcript NM_014232.3 (MANE Select); coding-DNA position 328, A replaced by C.
Protein change: p.Ile110Leu; replaces isoleucine 110 with leucine.
Molecular consequence: missense variant.
Genome position (GRCh38, 1-based): chr17:8,161,479, T>G on the plus strand (A>C on the coding strand, the complement: VAMP2 is on the minus strand). VCF-style: chr17-8161479-T-G. GRCh37 (hg19) VCF-style: chr17-8064797-T-G.
Other names: c.334A>C, p.Ile112Leu (NM_001330125.1); c.328A>C (NM_014232.2); short protein forms I110L, I112L.
Identifiers: ClinVar variation 2672687 (VCV002672687.24), dbSNP rs753946523, ClinGen allele CA8370345.

ClinVar aggregate classification (germline): Conflicting classifications of pathogenicity. Review status: criteria provided, conflicting classifications (1 of 4 stars). 2 submissions from 2 submitters: Uncertain significance (1); Likely benign (1). Last evaluated 2023-11-03.

Conditions:
Inborn genetic diseases. Identifiers: MedGen C0950123, MeSH D030342.

Allele frequency attached by ClinVar (database versions not stated): TOPMed 0.00003; ExAC 0.00003.
gnomAD v4.1: 74 of 1,613,972 alleles (0.0046%); highest among the groups gnomAD compares: Non-Finnish European, 0.0059%; no homozygotes.

Submissions (2):

Ambry Genetics
Classification: Likely benign for Inborn genetic diseases. Last evaluated: 2023-11-03. Review status: criteria provided, single submitter. Criteria: Ambry Variant Classification Scheme 2023. Collection method: clinical testing. Allele origin: germline.

CeGaT Center for Human Genetics Tuebingen
Classification: Uncertain significance. Last evaluated: 2023-11-01. Review status: criteria provided, single submitter. Criteria: CeGaT Center For Human Genetics Tuebingen Variant Classification Criteria Version 2. Collection method: clinical testing. Allele origin: germline. Affected: yes. Observed: 1 variant allele.
Comment: VAMP2: PP2